The following is an entry in ClinVar:

NM_000038.6(APC):c.8105C>G (p.Ala2702Gly)

Gene: APC (APC regulator of Wnt signaling pathway; plus strand). Cytogenetic location: 5q22.2.
Variant type: single nucleotide variant.
Coding change: c.8105C>G on transcript NM_000038.6 (MANE Select); coding-DNA position 8105, C replaced by G.
Protein change: p.Ala2702Gly; replaces alanine 2702 with glycine.
Molecular consequence: missense variant.
Genome position (GRCh38, 1-based): chr5:112,843,699, C>G. VCF-style: chr5-112843699-C-G. GRCh37 (hg19) VCF-style: chr5-112179396-C-G.
Other names: c.8105C>G, p.Ala2702Gly (NM_001127510.3, NM_001354895.2); c.8051C>G, p.Ala2684Gly (NM_001127511.3); c.8159C>G, p.Ala2720Gly (NM_001354896.2); c.8135C>G, p.Ala2712Gly (NM_001354897.2); c.8030C>G, p.Ala2677Gly (NM_001354898.2); c.8021C>G, p.Ala2674Gly (NM_001354899.2); c.7982C>G, p.Ala2661Gly (NM_001354900.2); c.7928C>G, p.Ala2643Gly (NM_001354901.2); and 5 more; short protein forms A2643G, A2661G, A2702G, A2720G, A2601G, A2542G, A2674G, A2684G.
Identifiers: ClinVar variation 920764 (VCV000920764.12), dbSNP rs1766644900, ClinGen allele CA16038935.

ClinVar aggregate classification (germline): Uncertain significance. Review status: criteria provided, multiple submitters, no conflicts (2 of 4 stars). 2 submissions from 2 submitters: Uncertain significance (2). Last evaluated 2024-03-07.

Conditions:
Hereditary cancer-predisposing syndrome. Also called: Neoplastic Syndromes, Hereditary; Tumor predisposition; Hereditary Cancer Syndrome; Hereditary neoplastic syndrome. Identifiers: Orphanet 140162, MedGen C0027672, MeSH D009386, MONDO:0015356.
Familial adenomatous polyposis 1 (FAP1). Also called: FAMILIAL ADENOMATOUS POLYPOSIS 1, ATTENUATED; POLYPOSIS, ADENOMATOUS INTESTINAL. Identifiers: MedGen C2713442, MONDO:0021056, OMIM 175100. Disease mechanism: loss of function.

Submissions (2):

Color Diagnostics, LLC DBA Color Health
Classification: Uncertain significance for Hereditary cancer-predisposing syndrome. Last evaluated: 2024-03-07. Review status: criteria provided, single submitter. Criteria: ACMG Guidelines, 2015. Collection method: clinical testing. Allele origin: germline.
Comment: This missense variant replaces alanine with glycine at codon 2702 of the APC protein. Computational prediction suggests that this variant may not impact protein structure and function (internally defined REVEL score threshold <= 0.5, PMID: 27666373). Splice site prediction tools suggest that this variant may not impact RNA splicing. To our knowledge, functional studies have not been performed for this variant. This variant has not been reported in individuals affected with hereditary cancer in the literature. This variant has not been identified in the general population by the Genome Aggregation Database (gnomAD). The available evidence is insufficient to determine the role of this variant in disease conclusively. Therefore, this variant is classified as a Variant of Uncertain Significance.

Labcorp Genetics (formerly Invitae), Labcorp
Classification: Uncertain significance for Familial adenomatous polyposis 1. Last evaluated: 2024-02-15. Review status: criteria provided, single submitter. Criteria: Invitae Variant Classification Sherloc (09022015). Collection method: clinical testing. Allele origin: germline.
Comment: This sequence change replaces alanine, which is neutral and non-polar, with glycine, which is neutral and non-polar, at codon 2702 of the APC protein (p.Ala2702Gly). This variant is not present in population databases (gnomAD no frequency). This variant has not been reported in the literature in individuals affected with APC-related conditions. ClinVar contains an entry for this variant (Variation ID: 920764). Advanced modeling of protein sequence and biophysical properties (such as structural, functional, and spatial information, amino acid conservation, physicochemical variation, residue mobility, and thermodynamic stability) performed at Invitae indicates that this missense variant is not expected to disrupt APC protein function with a negative predictive value of 95%. In summary, the available evidence is currently insufficient to determine the role of this variant in disease. Therefore, it has been classified as a Variant of Uncertain Significance.